The following is an entry in ClinVar:

NM_004006.3(DMD):c.3318_3319del (p.Asn1106fs)

Gene: DMD (dystrophin; minus strand). Cytogenetic location: Xp21.1.
Variant type: Deletion.
Coding change: c.3318_3319del on transcript NM_004006.3 (MANE Select); coding-DNA positions 3318 to 3319, 2 bases deleted (CA; older notation c.3318_3319delCA).
Protein change: p.Asn1106fs; shifts the reading frame from asparagine 1106.
Molecular consequence: frameshift variant.
Genome position (GRCh38, 1-based): chrX:32,463,552-32,463,553, TG deleted on the plus strand (CA on the coding strand, the reverse complement: DMD is on the minus strand); deleting any 2 consecutive bases within chrX:32,463,552-32,463,554 gives the same sequence; the c. name uses the placement nearest the transcript's 3' end. VCF-style (leftmost placement, unchanged base first): chrX-32463551-CTG-C. GRCh37 (hg19) VCF-style: chrX-32481668-CTG-C.
Other names: c.3294_3295del, p.Asn1098fs (NM_000109.4); c.3306_3307del, p.Asn1102fs (NM_004009.3); c.2949_2950del, p.Asn983fs (NM_004010.3); short protein forms N1098fs, N1102fs, N1106fs, N983fs.
Identifiers: ClinVar variation 3257502 (VCV003257502.17).

ClinVar aggregate classification (germline): Pathogenic (1 of 4 stars; one submission).

Submission:

CeGaT Center for Human Genetics Tuebingen
Classification: Pathogenic. Last evaluated: 2024-10-01. Review status: criteria provided, single submitter. Criteria: CeGaT Center For Human Genetics Tuebingen Variant Classification Criteria Version 2. Collection method: clinical testing. Allele origin: germline. Affected: yes. Observed: 3 variant alleles.
Comment: DMD: PVS1, PM2